The following is an entry in ClinVar:

ClinVar aggregate classification (germline): Conflicting classifications of pathogenicity. Review status: criteria provided, conflicting classifications (1 of 4 stars). 2 submissions from 2 submitters: Uncertain significance (1); Likely benign (1). Last evaluated 2025-12-21.

Conditions:
Hereditary cancer-predisposing syndrome. Also called: Hereditary neoplastic syndrome; Neoplastic Syndromes, Hereditary; Tumor predisposition; Hereditary Cancer Syndrome. Identifiers: Orphanet 140162, MedGen C0027672, MeSH D009386, MONDO:0015356.
Tuberous sclerosis 2 (TSC2). Identifiers: Orphanet 805, MedGen C1860707, MONDO:0013199, OMIM 613254.

gnomAD v4.1: 1 of 1,601,900 alleles (0.000062%); highest among the groups gnomAD compares: Non-Finnish European, 0.000085%; no homozygotes.

Submissions (2):

Labcorp Genetics (formerly Invitae), Labcorp
Classification: Likely benign for Tuberous sclerosis 2. Last evaluated: 2025-12-21. Review status: criteria provided, single submitter. Criteria: Invitae Variant Classification Sherloc (09022015). Collection method: clinical testing. Allele origin: germline.

Sema4
Classification: Uncertain significance for Hereditary cancer-predisposing syndrome. Last evaluated: 2021-09-28. Review status: criteria provided, single submitter. Criteria: Sema4 Curation Guidelines. Collection method: curation. Allele origin: germline.
Comment: The TSC2 c.1361+6G>A variant has not been reported in the literature to our knowledge. It was not observed in the large and broad cohorts of the Genome Aggregation Database. The variant has been reported in ClinVar (Variation ID: 1023016). Splice site prediction tools suggest the variant does not disrupt normal splicing, however these predictions have not been confirmed by transcriptional studies. The evidence is insufficient to meet ACMG/AMP criteria for classifying the variant as benign or pathogenic. Thus, the clinical significance of this variant is currently uncertain.

NM_000548.5(TSC2):c.1361+6G>A

Gene: TSC2 (TSC complex subunit 2; plus strand). Cytogenetic location: 16p13.3.
Variant type: single nucleotide variant.
Coding change: c.1361+6G>A on transcript NM_000548.5 (MANE Select); 6 bases into the intron after coding-DNA position 1361, G replaced by A.
Molecular consequence: intron variant.
Genome position (GRCh38, 1-based): chr16:2,062,606, G>A. VCF-style: chr16-2062606-G-A. GRCh37 (hg19) VCF-style: chr16-2112607-G-A.
Other names: c.1361+6G>A (NM_001114382.3, NM_021055.3, NM_001370405.1 and 3 more transcripts); c.1250+6G>A (NM_001318827.2); c.761+6G>A (NM_001318831.2); c.1214+6G>A (NM_001318829.2); c.1394+6G>A (NM_001318832.2).
Identifiers: ClinVar variation 1023016 (VCV001023016.8), dbSNP rs1596305980, ClinGen allele CA2201988472.